The following is an entry in ClinVar:

NM_000138.5(FBN1):c.2927G>T (p.Arg976Leu)

Gene: FBN1 (fibrillin 1; minus strand). Cytogenetic location: 15q21.1.
Variant type: single nucleotide variant.
Coding change: c.2927G>T on transcript NM_000138.5 (MANE Select); coding-DNA position 2927, G replaced by T.
Protein change: p.Arg976Leu; replaces arginine 976 with leucine.
Molecular consequence: missense variant.
Genome position (GRCh38, 1-based): chr15:48,490,006, C>A on the plus strand (G>T on the coding strand, the complement: FBN1 is on the minus strand). VCF-style: chr15-48490006-C-A. GRCh37 (hg19) VCF-style: chr15-48782203-C-A.
Other names: c.2927G>T, p.Arg976Leu (NM_001406716.1); short protein forms R976L.
Identifiers: ClinVar variation 3073909 (VCV003073909.1), dbSNP rs140954477, ClinGen allele CA392329709.

ClinVar aggregate classification (germline): Uncertain significance (1 of 4 stars; one submission).

Conditions:
Marfan syndrome (MFS). Also called: MARFAN SYNDROME, TYPE I; Marfan syndrome type 1; Marfan's syndrome; Marfan syndrome, classic; FBN1-Related Marfan Syndrome. Identifiers: Orphanet 284963, Orphanet 558, MedGen C0024796, MONDO:0007947, OMIM 154700.

Submission:

All of Us Research Program, National Institutes of Health
Classification: Uncertain significance for Marfan syndrome. Last evaluated: 2023-11-30. Review status: criteria provided, single submitter. Criteria: ACMG Guidelines, 2015. Collection method: clinical testing. Allele origin: germline. Inheritance: Autosomal dominant inheritance. Observed: 1 variant allele, 1 heterozygote.
Comment: This study involves interpretation of variants in research participants for the purpose of population health screening. Participant phenotype was not available at the time of variant classification. Additional details can be found in publication PMID: 35346344, PMCID: PMC8962531